The following is an entry in ClinVar:

ClinVar aggregate classification (germline): Uncertain significance (1 of 4 stars; one submission).

Submission:

Labcorp Genetics (formerly Invitae), Labcorp
Classification: Uncertain significance. Last evaluated: 2025-03-17. Review status: criteria provided, single submitter. Criteria: Invitae Variant Classification Sherloc (09022015). Collection method: clinical testing. Allele origin: germline.
Comment: This sequence change replaces histidine, which is basic and polar, with glutamine, which is neutral and polar, at codon 30 of the PDZD7 protein (p.His30Gln). This variant is not present in population databases (gnomAD no frequency). This variant has not been reported in the literature in individuals affected with PDZD7-related conditions. ClinVar contains an entry for this variant (Variation ID: 1716568). Invitae Evidence Modeling of protein sequence and biophysical properties (such as structural, functional, and spatial information, amino acid conservation, physicochemical variation, residue mobility, and thermodynamic stability) indicates that this missense variant is not expected to disrupt PDZD7 protein function with a negative predictive value of 80%. In summary, the available evidence is currently insufficient to determine the role of this variant in disease. Therefore, it has been classified as a Variant of Uncertain Significance.

NM_001195263.2(PDZD7):c.90C>G (p.His30Gln)

Gene: PDZD7 (PDZ domain containing 7; minus strand). Cytogenetic location: 10q24.31.
Variant type: single nucleotide variant.
Coding change: c.90C>G on transcript NM_001195263.2 (MANE Select); coding-DNA position 90, C replaced by G.
Protein change: p.His30Gln; replaces histidine 30 with glutamine.
Molecular consequence: missense variant.
Genome position (GRCh38, 1-based): chr10:101,030,130, G>C on the plus strand (C>G on the coding strand, the complement: PDZD7 is on the minus strand). VCF-style: chr10-101030130-G-C. GRCh37 (hg19) VCF-style: chr10-102789887-G-C.
Other names: c.90C>G, p.His30Gln (NM_001351044.2, NM_024895.5); short protein forms H30Q.
Identifiers: ClinVar variation 1716568 (VCV001716568.5), dbSNP rs2493056212, ClinGen allele CA378231413.
Genomic context (GRCh38, chr10:101,030,130, plus strand): 5'-CAGCCGTTGTTGCTTCCTTAGCAGGTATCGCGTTGCGGTGGAGCCTGAGTCGCTGCCTAG[G>C]TGGCCTCGGGAGGAGAGGGAGCTCAGAGAGCCGGAGCTCAGGTCTCCTAGGCCCAGTGGG-3'
Protein context (NP_001182192.1, residues 20-40): GSLSSLSSRG[His30Gln]LGSDSGSTAT